The following is an entry in ClinVar:

NM_178012.5(TUBB2B):c.609C>T (p.Asp203=)

Gene: TUBB2B (tubulin beta 2B class IIb; minus strand). Cytogenetic location: 6p25.2.
Variant type: single nucleotide variant.
Coding change: c.609C>T on transcript NM_178012.5 (MANE Select); coding-DNA position 609, C replaced by T.
Protein change: p.Asp203=; no amino-acid change (aspartic acid 203 retained).
Molecular consequence: synonymous variant.
Genome position (GRCh38, 1-based): chr6:3,225,480, G>A on the plus strand (C>T on the coding strand, the complement: TUBB2B is on the minus strand). VCF-style: chr6-3225480-G-A. GRCh37 (hg19) VCF-style: chr6-3225714-G-A.
Other names: p.D203D:GAC>GAT; p.Asp203=.
Identifiers: ClinVar variation 137855 (VCV000137855.48), dbSNP rs1054332, ClinGen allele CA173783.

ClinVar aggregate classification (germline): Benign/Likely benign. Review status: criteria provided, multiple submitters, no conflicts (2 of 4 stars). 9 submissions from 9 submitters: Benign (3); Likely benign (6). Last evaluated 2026-02-01.

Conditions:
Complex cortical dysplasia with other brain malformations 7. Identifiers: Orphanet 300573, MedGen C3552236, MONDO:0012399, OMIM 610031.

Allele frequency attached by ClinVar (database versions not stated): ExAC 0.00016; gnomAD exomes 0.00091 and 0.00400; 1000 Genomes Project 30x 0.00390; gnomAD 0.00411 and 0.00412.
gnomAD v4.1: 6,503 of 1,612,216 alleles (0.4%); highest among the groups gnomAD compares: Middle Eastern, 2.6%; 34 homozygotes.

Submissions (9):

CeGaT Center for Human Genetics Tuebingen
Classification: Likely benign. Last evaluated: 2026-02-01. Review status: criteria provided, single submitter. Criteria: CeGaT Center For Human Genetics Tuebingen Variant Classification Criteria Version 2. Collection method: clinical testing. Allele origin: germline. Affected: yes. Observed: 3 variant alleles.
Comment: TUBB2B: BP4, BP7, BS2

Labcorp Genetics (formerly Invitae), Labcorp
Classification: Likely benign. Last evaluated: 2026-01-27. Review status: criteria provided, single submitter. Criteria: Invitae Variant Classification Sherloc (09022015). Collection method: clinical testing. Allele origin: germline.

Mayo Clinic Laboratories, Mayo Clinic
Classification: Likely benign. Last evaluated: 2025-03-26. Review status: criteria provided, single submitter. Criteria: ACMG Guidelines, 2015. Collection method: clinical testing. Allele origin: germline. Observed: 1 variant allele.
Comment: BS1, BP4, BP7

Blueprint Genetics
Classification: Likely benign. Last evaluated: 2024-11-25. Review status: criteria provided, single submitter. Criteria: ACMG Guidelines, 2015. Collection method: clinical testing. Allele origin: germline.

Fulgent Genetics
Classification: Likely benign for Complex cortical dysplasia with other brain malformations 7. Last evaluated: 2021-10-21. Review status: criteria provided, single submitter. Criteria: ACMG Guidelines, 2015. Collection method: clinical testing. Allele origin: unknown.

Athena Diagnostics
Classification: Benign. Last evaluated: 2018-10-23. Review status: criteria provided, single submitter. Criteria: Athena Diagnostics Criteria. Collection method: clinical testing. Allele origin: germline.

GeneDx
Classification: Benign. Last evaluated: 2014-04-01. Review status: criteria provided, single submitter. Criteria: GeneDx Variant Classification (06012015). Collection method: clinical testing. Allele origin: germline. Affected: yes.
Comment: This variant is considered likely benign or benign based on one or more of the following criteria: it is a conservative change, it occurs at a poorly conserved position in the protein, it is predicted to be benign by multiple in silico algorithms, and/or has population frequency not consistent with disease.

Genetic Services Laboratory, University of Chicago
Classification: Benign. Last evaluated: 2014-03-13. Review status: criteria provided, single submitter. Criteria: ACMG Guidelines, 2007. Collection method: clinical testing. Allele origin: germline. Inheritance: Autosomal dominant inheritance.

Breakthrough Genomics
Classification: Likely benign. Review status: criteria provided, single submitter. Criteria: ACMG Guidelines, 2015. Collection method: not provided. Allele origin: germline. Inheritance: Autosomal dominant inheritance. Affected: yes.